The following is an entry in ClinVar:

NM_001368809.2(AMPD2):c.1880C>T (p.Thr627Met)

Gene: AMPD2 (adenosine monophosphate deaminase 2; plus strand). Cytogenetic location: 1p13.3.
Variant type: single nucleotide variant.
Coding change: c.1880C>T on transcript NM_001368809.2 (MANE Select); coding-DNA position 1880, C replaced by T.
Protein change: p.Thr627Met; replaces threonine 627 with methionine.
Molecular consequence: missense variant.
Genome position (GRCh38, 1-based): chr1:109,629,813, C>T. VCF-style: chr1-109629813-C-T. GRCh37 (hg19) VCF-style: chr1-110172435-C-T.
Other names: c.2042C>T (NM_001257360.1, NM_004037.6); c.1688C>T, p.Thr563Met (NM_001257361.2); c.1817C>T, p.Thr606Met (NM_001308170.1); c.1880C>T, p.Thr627Met (NM_004037.9); c.1799C>T, p.Thr600Met (NM_139156.4); short protein forms T563M, T600M, T606M, T627M.
Identifiers: ClinVar variation 1306782 (VCV001306782.7), dbSNP rs749833212, ClinGen allele CA993218.

ClinVar aggregate classification (germline): Uncertain significance. Review status: criteria provided, multiple submitters, no conflicts (2 of 4 stars). 5 submissions from 4 submitters: Uncertain significance (5). Last evaluated 2024-01-02.

Conditions:
Pontocerebellar hypoplasia type 9. Identifiers: Orphanet 369920, MedGen C4014354, MONDO:0014351, OMIM 615809.
Hereditary spastic paraplegia 63. Also called: Spastic paraplegia 63, autosomal recessive. Identifiers: Orphanet 401805, MedGen C3810295, MONDO:0014305, OMIM 615686.
Inborn genetic diseases. Identifiers: MedGen C0950123, MeSH D030342.

Allele frequency attached by ClinVar (database versions not stated): ExAC 0.00002; gnomAD exomes 0.00002 and 0.00003; gnomAD 0.00005 and 0.00006; TOPMed 0.00015.
gnomAD v4.1: 45 of 1,606,260 alleles (0.0028%); highest among the groups gnomAD compares: Admixed American, 0.022%; no homozygotes.

Submissions (5):

Ambry Genetics
Classification: Uncertain significance for Inborn genetic diseases. Last evaluated: 2024-01-02. Review status: criteria provided, single submitter. Criteria: Ambry Variant Classification Scheme 2023. Collection method: clinical testing. Allele origin: germline.

Labcorp Genetics (formerly Invitae), Labcorp
Classification: Uncertain significance for Pontocerebellar hypoplasia type 9; Hereditary spastic paraplegia 63. Last evaluated: 2023-07-03. Review status: criteria provided, single submitter. Criteria: Invitae Variant Classification Sherloc (09022015). Collection method: clinical testing. Allele origin: germline.
Comment: In summary, the available evidence is currently insufficient to determine the role of this variant in disease. Therefore, it has been classified as a Variant of Uncertain Significance. An algorithm developed to predict the effect of missense changes on protein structure and function (PolyPhen-2) suggests that this variant is likely to be disruptive. ClinVar contains an entry for this variant (Variation ID: 1306782). This variant has not been reported in the literature in individuals affected with AMPD2-related conditions. This variant is present in population databases (rs749833212, gnomAD 0.02%). This sequence change replaces threonine, which is neutral and polar, with methionine, which is neutral and non-polar, at codon 681 of the AMPD2 protein (p.Thr681Met).

Genome-Nilou Lab
Classification: Uncertain significance for Hereditary spastic paraplegia 63. Last evaluated: 2023-04-11. Review status: criteria provided, single submitter. Criteria: ACMG Guidelines, 2015. Collection method: clinical testing. Allele origin: germline. Affected: no.

Genome-Nilou Lab
Classification: Uncertain significance for Pontocerebellar hypoplasia type 9. Last evaluated: 2023-04-11. Review status: criteria provided, single submitter. Criteria: ACMG Guidelines, 2015. Collection method: clinical testing. Allele origin: germline. Affected: no.

GeneDx
Classification: Uncertain significance. Last evaluated: 2019-07-03. Review status: criteria provided, single submitter. Criteria: GeneDx Variant Classification Process June 2021. Collection method: clinical testing. Allele origin: germline. Affected: yes.
Comment: In silico analysis, which includes protein predictors and evolutionary conservation, supports a deleterious effect; This variant is associated with the following publications: (PMID: 25155876)